The following is an entry in ClinVar:

ClinVar aggregate classification (germline): Uncertain significance (1 of 4 stars; one submission).

Allele frequency attached by ClinVar (database versions not stated): gnomAD exomes below 0.00001; TOPMed below 0.00001.
gnomAD v4.1: 2 of 1,550,470 alleles (0.00013%); highest among the groups gnomAD compares: African/African-American, 0.0027%; no homozygotes.

Submissions (2):

Labcorp Genetics (formerly Invitae), Labcorp
Classification: Uncertain significance. Last evaluated: 2021-03-05. Review status: criteria provided, single submitter. Criteria: Invitae Variant Classification Sherloc (09022015). Collection method: clinical testing. Allele origin: germline.
Comment: In summary, the available evidence is currently insufficient to determine the role of this variant in disease. Therefore, it has been classified as a Variant of Uncertain Significance. The current clinical and genetic evidence is not sufficient to establish whether loss-of-function variants in CLUAP1 cause disease. Algorithms developed to predict the effect of sequence changes on RNA splicing suggest that this variant may disrupt the consensus splice site, but this prediction has not been confirmed by published transcriptional studies. This variant has not been reported in the literature in individuals with CLUAP1-related conditions. This variant is not present in population databases (ExAC no frequency). This sequence change affects a donor splice site in intron 2 of the CLUAP1 gene. It is expected to disrupt RNA splicing and likely results in an absent or disrupted protein product.

Dr. Peter K. Rogan Lab, Western University
No classification provided (evidence only). Condition: Nonpapillary renal cell carcinoma. Review status: no classification provided. Collection method: in vitro. Allele origin: not applicable. Functional consequence: retained intron. Not counted in ClinVar's aggregate classification.

NM_015041.3(CLUAP1):c.134+1G>T

Gene: CLUAP1 (clusterin associated protein 1; plus strand). Cytogenetic location: 16p13.3.
Variant type: single nucleotide variant.
Coding change: c.134+1G>T on transcript NM_015041.3 (MANE Select); the canonical splice donor site of the intron after coding-DNA position 134, G replaced by T.
Molecular consequence: splice donor variant.
Genome position (GRCh38, 1-based): chr16:3,504,832, G>T. VCF-style: chr16-3504832-G-T. GRCh37 (hg19) VCF-style: chr16-3554832-G-T.
Other names: c.134+1G>T (NM_001330454.2).
Identifiers: ClinVar variation 966063 (VCV000966063.9), dbSNP rs1275139241, ClinGen allele CA394510855.
Genomic context (GRCh38, chr16:3,504,832, plus strand): 5'-AAATTTCCGTACACCCAATTTTGGACTTGTATCTGAAGTGCTTCTCTGGCTTGTGAAAAG[G>T]TTCGAACGGCACTTTATTGACATCTAAGAGTGAATACTGGGTTTTATTTATTAGTCATCT-3'